The following is an entry in ClinVar:

ClinVar aggregate classification (germline): Likely benign (1 of 4 stars; one submission).

Conditions:
COL6A2-related disorder.

Submission:

PreventionGenetics, part of Exact Sciences
Classification: Likely benign for COL6A2-related condition. Last evaluated: 2025-03-31. Review status: criteria provided, single submitter. Criteria: ACMG Guidelines, 2015. Collection method: clinical testing. Allele origin: germline.
Comment: This variant is classified as likely benign based on ACMG/AMP sequence variant interpretation guidelines (Richards et al. 2015 PMID: 25741868, with internal and published modifications).

NM_058174.3(COL6A2):c.2715G>C (p.Arg905Ser)

Gene: COL6A2 (collagen type VI alpha 2 chain; plus strand). Cytogenetic location: 21q22.3.
Variant type: single nucleotide variant.
Coding change: c.2715G>C on transcript NM_058174.3 (MANE Plus Clinical); coding-DNA position 2715, G replaced by C.
Protein change: p.Arg905Ser; replaces arginine 905 with serine.
Molecular consequence: missense variant. On other transcripts: 3 prime UTR variant (1), intron variant (1).
Genome position (GRCh38, 1-based): chr21:46,129,449, G>C. VCF-style: chr21-46129449-G-C. GRCh37 (hg19) VCF-style: chr21-47549363-G-C.
Other names: c.*521G>C (NM_058175.3); c.2462-2505G>C (NM_001849.4); short protein forms R905S.
Identifiers: ClinVar variation 4979590 (VCV004979590.1).